The following is an entry in ClinVar:

ClinVar aggregate classification (germline): Benign (0 of 4 stars; one submission).

Conditions:
OGDHL-related disorder. Also called: OGDHL-related condition.

Allele frequency attached by ClinVar (database versions not stated): 1000 Genomes Project 30x 0.01686; 1000 Genomes Project 0.01717; gnomAD 0.02729; TOPMed 0.02786; ESP Exome Variant Server 0.02822; ExAC 0.03107.
gnomAD v4.1: 58,157 of 1,613,706 alleles (3.6%); highest among the groups gnomAD compares: Middle Eastern, 6.8%; 1,283 homozygotes.

Submission:

PreventionGenetics, part of Exact Sciences
Classification: Benign for OGDHL-related condition. Last evaluated: 2019-03-27. Review status: no assertion criteria provided. Collection method: clinical testing. Allele origin: germline.
Comment: This variant is classified as benign based on ACMG/AMP sequence variant interpretation guidelines (Richards et al. 2015 PMID: 25741868, with internal and published modifications).

NM_018245.3(OGDHL):c.2628C>T (p.Ala876=)

Gene: OGDHL (oxoglutarate dehydrogenase L; minus strand). Cytogenetic location: 10q11.23.
Variant type: single nucleotide variant.
Coding change: c.2628C>T on transcript NM_018245.3 (MANE Select); coding-DNA position 2628, C replaced by T.
Protein change: p.Ala876=; no amino-acid change (alanine 876 retained).
Molecular consequence: synonymous variant. On other transcripts: non-coding transcript variant (5).
Genome position (GRCh38, 1-based): chr10:49,736,483, G>A on the plus strand (C>T on the coding strand, the complement: OGDHL is on the minus strand). VCF-style: chr10-49736483-G-A. GRCh37 (hg19) VCF-style: chr10-50944529-G-A.
Other names: c.2457C>T, p.Ala819= (NM_001143996.2, NM_001347820.1); c.2001C>T, p.Ala667= (NM_001143997.2, NM_001347821.2, NM_001347822.1); c.2628C>T, p.Ala876= (NM_001347819.1); c.2448C>T, p.Ala816= (NM_001347823.1, NM_001347824.2); c.1821C>T, p.Ala607= (NM_001347825.2); c.1431C>T, p.Ala477= (NM_001347826.1).
Identifiers: ClinVar variation 3056267 (VCV003056267.2), dbSNP rs12357255, ClinGen allele CA5498078.
Genomic context (GRCh38, chr10:49,736,483, plus strand): 5'-ATAGTACACCTTTCCCGTGCAGAAGATGAGCCGCTGCACCTGCTCAGGGGCCCGTGCTGC[G>A]GCCCCATCTTCAGGAATCACCCGCTGGAAGCTGGTCCCTGAGGGACCAACAGGACATGGC-3'
Protein context (NP_060715.2, residues 866-886): SFQRVIPEDG[Ala876=]AARAPEQVQR